The following is an entry in ClinVar:

NM_015141.4(GPD1L):c.659G>A (p.Arg220His)

Gene: GPD1L (glycerol-3-phosphate dehydrogenase 1 like; plus strand). Cytogenetic location: 3p22.3.
Variant type: single nucleotide variant.
Coding change: c.659G>A on transcript NM_015141.4 (MANE Select); coding-DNA position 659, G replaced by A.
Protein change: p.Arg220His; replaces arginine 220 with histidine.
Molecular consequence: missense variant.
Genome position (GRCh38, 1-based): chr3:32,158,916, G>A. VCF-style: chr3-32158916-G-A. GRCh37 (hg19) VCF-style: chr3-32200408-G-A.
Other names: p.R220H:CGC>CAC; short protein forms R220H.
Identifiers: ClinVar variation 190764 (VCV000190764.21), dbSNP rs72546648, ClinGen allele CA235693.

ClinVar aggregate classification (germline): Likely benign. Review status: criteria provided, multiple submitters, no conflicts (2 of 4 stars). 7 submissions from 7 submitters: Likely benign (6). 1 of the submissions does not count toward it. Last evaluated 2026-01-25.

Conditions:
GPD1L-related disorder. Also called: GPD1L-related condition.
Cardiovascular phenotype. Identifiers: MedGen CN230736.
Brugada syndrome. Also called: Sudden unexplained nocturnal death syndrome; Sudden Unexplained Death Syndrome; Sudden Unexplained Nocturnal Death Syndrome (SUNDS); Sudden unexpected nocturnal death syndrome. Identifiers: Orphanet 130, MedGen C1142166, MONDO:0015263.
Cardiomyopathy (CMYO). Also called: Cardiomyopathies. Identifiers: Orphanet 167848, MedGen C0878544, MONDO:0004994, HP:0001638. Inheritance: Various modes of inheritance.

Allele frequency attached by ClinVar (database versions not stated): gnomAD exomes 0.00010 and 0.00028; ExAC 0.00035; ESP Exome Variant Server 0.00077; gnomAD 0.00123 and 0.00130; 1000 Genomes Project 30x 0.00172; 1000 Genomes Project 0.00180; TOPMed 0.00195.
gnomAD v4.1: 350 of 1,614,058 alleles (0.022%); highest among the groups gnomAD compares: African/African-American, 0.29%; 1 homozygote.

Submissions (7):

Labcorp Genetics (formerly Invitae), Labcorp
Classification: Likely benign for Brugada syndrome. Last evaluated: 2026-01-25. Review status: criteria provided, single submitter. Criteria: Invitae Variant Classification Sherloc (09022015). Collection method: clinical testing. Allele origin: germline.

Women's Health and Genetics/Laboratory Corporation of America, LabCorp
Classification: Likely benign. Last evaluated: 2024-01-22. Review status: criteria provided, single submitter. Criteria: LabCorp Variant Classification Summary - May 2015. Collection method: clinical testing. Allele origin: germline.

GeneDx
Classification: Likely benign. Last evaluated: 2020-11-24. Review status: criteria provided, single submitter. Criteria: GeneDx Variant Classification Process June 2021. Collection method: clinical testing. Allele origin: germline. Affected: yes.
Comment: This variant is associated with the following publications: (PMID: 23861362, 25757662, 28087566, 31043699)

Ambry Genetics
Classification: Likely benign for Cardiovascular phenotype. Last evaluated: 2018-07-25. Review status: criteria provided, single submitter. Criteria: Ambry Variant Classification Scheme 2023. Collection method: clinical testing. Allele origin: germline.

Center for Advanced Laboratory Medicine, UC San Diego Health, University of California San Diego
Classification: Likely benign for Cardiomyopathy. Last evaluated: 2017-11-01. Review status: criteria provided, single submitter. Criteria: ACMG Guidelines, 2015. Collection method: clinical testing. Allele origin: germline. Affected: yes. Observed: 1 variant allele.

Biesecker Lab/Clinical Genomics Section, National Institutes of Health
Classification: Likely benign. Last evaluated: 2013-06-24. Review status: criteria provided, single submitter. Criteria: Ng et al. (Circ Cardiovasc Genet. 2013). Collection method: research. Allele origin: unknown. Observed: 1 variant allele. Study: ClinSeq.
Comment: The study set was not selected for affection status in relation to any cancer. Pathogenicity categories were based on literature curation. See Pubmed ID:23861362 for details.

Medical sequencing

PreventionGenetics, part of Exact Sciences
Classification: Likely benign for GPD1L-related condition. Last evaluated: 2023-03-06. Review status: no assertion criteria provided. Collection method: clinical testing. Allele origin: germline. Not counted in ClinVar's aggregate classification.
Comment: This variant is classified as likely benign based on ACMG/AMP sequence variant interpretation guidelines (Richards et al. 2015 PMID: 25741868, with internal and published modifications).